The following is an entry in ClinVar:

ClinVar aggregate classification (germline): Uncertain significance. Review status: criteria provided, multiple submitters, no conflicts (2 of 4 stars). 2 submissions from 2 submitters: Uncertain significance (2). Last evaluated 2024-03-25.

Allele frequency attached by ClinVar (database versions not stated): gnomAD 0.00001; TOPMed 0.00001; ExAC 0.00003; 1000 Genomes Project 30x 0.00016; 1000 Genomes Project 0.00020.
gnomAD v4.1: 14 of 1,614,142 alleles (0.00087%); highest among the groups gnomAD compares: East Asian, 0.031%; no homozygotes.

Submissions (2):

Ambry Genetics
Classification: Uncertain significance. Last evaluated: 2024-03-25. Review status: criteria provided, single submitter. Criteria: Ambry Variant Classification Scheme 2023. Collection method: clinical testing. Allele origin: germline.

Mayo Clinic Laboratories, Mayo Clinic
Classification: Uncertain significance. Last evaluated: 2022-07-05. Review status: criteria provided, single submitter. Criteria: ACMG Guidelines, 2015. Collection method: clinical testing. Allele origin: germline. Observed: 1 variant allele.
Comment: PM2_supporting

NM_018429.3(BDP1):c.5573C>G (p.Pro1858Arg)

Gene: BDP1 (BDP1 general transcription factor IIIB subunit; plus strand). Cytogenetic location: 5q13.2.
Variant type: single nucleotide variant.
Coding change: c.5573C>G on transcript NM_018429.3 (MANE Select); coding-DNA position 5573, C replaced by G.
Protein change: p.Pro1858Arg; replaces proline 1858 with arginine.
Molecular consequence: missense variant.
Genome position (GRCh38, 1-based): chr5:71,524,124, C>G. VCF-style: chr5-71524124-C-G. GRCh37 (hg19) VCF-style: chr5-70819951-C-G.
Other names: p.Pro1858Arg; short protein forms P1858R.
Identifiers: ClinVar variation 2682890 (VCV002682890.2), dbSNP rs574019843, ClinGen allele CA3296976.